The following is an entry in ClinVar:

NM_001098512.3(PRKG1):c.-68GCC[13]

Gene: PRKG1 (protein kinase cGMP-dependent 1; plus strand). Cytogenetic location: 10q11.23.
Variant type: Microsatellite.
Coding change: c.-68GCC[13] on transcript NM_001098512.3; 13 copies in a row of the 3-base unit GCC starting at c.-68; the reference has 11 copies in a row; two copies, 6 bases duplicated.
Molecular consequence: 5 prime UTR variant.
Genome position (GRCh38, 1-based): chr10:50,991,338-50,991,343, GCCGCC duplicated; duplicating any 6 consecutive bases within chr10:50,991,311-50,991,343 gives the same sequence; the position shown is the placement nearest the transcript's 3' end. VCF-style (leftmost placement, unchanged base first): chr10-50991310-A-AGCCGCC. GRCh37 (hg19) VCF-style: chr10-52751070-A-AGCCGCC.
Identifiers: ClinVar variation 1178642 (VCV001178642.11), dbSNP rs79957958, ClinGen allele CA469742010.

ClinVar aggregate classification (germline): Benign/Likely benign. Review status: criteria provided, multiple submitters, no conflicts (2 of 4 stars). 2 submissions from 2 submitters: Benign (1); Likely benign (1). Last evaluated 2026-08-01.

Submissions (2):

CeGaT Center for Human Genetics Tuebingen
Classification: Benign. Last evaluated: 2026-08-01. Review status: criteria provided, single submitter. Criteria: CeGaT Center For Human Genetics Tuebingen Variant Classification Criteria Version 2. Collection method: clinical testing. Allele origin: germline. Affected: yes. Observed: 16 variant alleles.
Comment: PRKG1: BS1, BS2

GeneDx
Classification: Likely benign. Last evaluated: 2019-08-13. Review status: criteria provided, single submitter. Criteria: GeneDx Variant Classification Process June 2021. Collection method: clinical testing. Allele origin: germline. Affected: yes.